The following is an entry in ClinVar:

ClinVar aggregate classification (germline): Uncertain significance (1 of 4 stars; one submission).

Submission:

Labcorp Genetics (formerly Invitae), Labcorp
Classification: Uncertain significance. Last evaluated: 2019-08-26. Review status: criteria provided, single submitter. Criteria: Invitae Variant Classification Sherloc (09022015). Collection method: clinical testing. Allele origin: germline.
Comment: In summary, the available evidence is currently insufficient to determine the role of this variant in disease. Therefore, it has been classified as a Variant of Uncertain Significance. Algorithms developed to predict the effect of missense changes on protein structure and function (SIFT, PolyPhen-2, Align-GVGD) all suggest that this variant is likely to be disruptive, but these predictions have not been confirmed by published functional studies and their clinical significance is uncertain. This variant has not been reported in the literature in individuals with FZD4-related conditions. This variant is not present in population databases (ExAC no frequency). This sequence change replaces valine with phenylalanine at codon 271 of the FZD4 protein (p.Val271Phe). The valine residue is highly conserved and there is a small physicochemical difference between valine and phenylalanine.

NM_012193.4(FZD4):c.811G>T (p.Val271Phe)

Genes: FZD4 (frizzled class receptor 4; minus strand), PRSS23 (serine protease 23; plus strand). Cytogenetic location: 11q14.2.
Variant type: single nucleotide variant.
Coding change: c.811G>T on transcript NM_012193.4 (MANE Select); coding-DNA position 811, G replaced by T.
Protein change: p.Val271Phe; replaces valine 271 with phenylalanine.
Molecular consequence: missense variant. On other transcripts: non-coding transcript variant (2).
Genome position (GRCh38, 1-based): chr11:86,951,945, C>A on the plus strand (G>T on the coding strand, the complement: FZD4 is on the minus strand). VCF-style: chr11-86951945-C-A. GRCh37 (hg19) VCF-style: chr11-86662987-C-A.
Other names: short protein forms V271F.
Identifiers: ClinVar variation 954784 (VCV000954784.9), dbSNP rs1949296400, ClinGen allele CA382014175.